The following is an entry in ClinVar:

ClinVar aggregate classification (germline): Conflicting classifications of pathogenicity. Review status: criteria provided, conflicting classifications (1 of 4 stars). 2 submissions from 2 submitters: Uncertain significance (1); Likely benign (1). Last evaluated 2024-10-20.

Conditions:
Parkinson Disease, Dominant/Recessive.

Allele frequency attached by ClinVar (database versions not stated): gnomAD 0.00001; ExAC 0.00002; gnomAD exomes 0.00003; TOPMed 0.00003.
gnomAD v4.1: 50 of 1,614,056 alleles (0.0031%); highest among the groups gnomAD compares: Non-Finnish European, 0.0033%; no homozygotes.

Submissions (2):

Ambry Genetics
Classification: Uncertain significance. Last evaluated: 2024-10-20. Review status: criteria provided, single submitter. Criteria: Ambry Variant Classification Scheme 2023. Collection method: clinical testing. Allele origin: germline.

Illumina Laboratory Services, Illumina
Classification: Likely benign for Parkinson Disease, Dominant/Recessive. Last evaluated: 2018-01-13. Review status: criteria provided, single submitter. Criteria: ICSL Variant Classification Criteria 13 December 2019. Collection method: clinical testing. Allele origin: germline.
Comment: This variant was observed in the ICSL laboratory as part of a predisposition screen in an ostensibly healthy population. It had not been previously curated by ICSL or reported in the Human Gene Mutation Database (HGMD: prior to June 1st, 2018), and was therefore a candidate for classification through an automated scoring system. Utilizing variant allele frequency, disease prevalence and penetrance estimates, and inheritance mode, an automated score was calculated to assess if this variant is too frequent to cause the disease. Based on the score and internal cut-off values, a variant classified as likely benign is not then subjected to further curation. The score for this variant resulted in a classification of likely benign for this disease.

NM_005460.4(SNCAIP):c.2191C>T (p.Arg731Cys)

Genes: SNCAIP (synuclein alpha interacting protein; plus strand), SNCAIP-AS3 (SNCAIP antisense RNA 3; minus strand). Cytogenetic location: 5q23.2.
Variant type: single nucleotide variant.
Coding change: c.2191C>T on transcript NM_005460.4 (MANE Select); coding-DNA position 2191, C replaced by T.
Protein change: p.Arg731Cys; replaces arginine 731 with cysteine.
Molecular consequence: missense variant. On other transcripts: non-coding transcript variant (2).
Genome position (GRCh38, 1-based): chr5:122,451,038, C>T. VCF-style: chr5-122451038-C-T. GRCh37 (hg19) VCF-style: chr5-121786733-C-T.
Other names: c.1093C>T, p.Arg365Cys (NM_001242935.3, NM_001308107.2); c.2332C>T, p.Arg778Cys (NM_001308100.2); c.2011C>T, p.Arg671Cys (NM_001308105.1); c.1087C>T, p.Arg363Cys (NM_001308106.1); c.1273C>T, p.Arg425Cys (NM_001308108.1); c.979C>T, p.Arg327Cys (NM_001308109.2); short protein forms R778C, R363C, R671C, R731C, R327C, R365C, R425C.
Identifiers: ClinVar variation 905317 (VCV000905317.5), dbSNP rs755160196, ClinGen allele CA3385048.
Genomic context (GRCh38, chr5:122,451,038, plus strand): 5'-ATGGACAGCGCAGAAAGCCTGCACCTGATGATTAAGAAACACACCTTGGCATCAGGGGGA[C>T]GCAGGTTTCCTTTCAGCATCAAGGCCTCCAAATCCCTGGATGGCCACAGCCCATCTCCCA-3'
Protein context (NP_005451.2, residues 721-741): IKKHTLASGG[Arg731Cys]RFPFSIKASK